The following is an entry in ClinVar:

ClinVar aggregate classification (germline): Uncertain significance (1 of 4 stars; one submission).

Conditions:
Bethlem myopathy 1A. Also called: Bethlem myopathy 1; MYOPATHY, BENIGN CONGENITAL, WITH CONTRACTURES; Bethlem Muscular Dystrophy. Identifiers: Orphanet 610, MedGen CN029274, MONDO:0024530, OMIM 158810.

gnomAD v4.1: 1 of 1,612,908 alleles (0.000062%); no homozygotes.

Submission:

Labcorp Genetics (formerly Invitae), Labcorp
Classification: Uncertain significance for Bethlem myopathy 1A. Last evaluated: 2025-01-29. Review status: criteria provided, single submitter. Criteria: Invitae Variant Classification Sherloc (09022015). Collection method: clinical testing. Allele origin: germline.
Comment: This sequence change replaces glutamic acid, which is acidic and polar, with lysine, which is basic and polar, at codon 275 of the COL6A2 protein (p.Glu275Lys). This variant is not present in population databases (gnomAD no frequency). This variant has not been reported in the literature in individuals affected with COL6A2-related conditions. ClinVar contains an entry for this variant (Variation ID: 1901919). Invitae Evidence Modeling of protein sequence and biophysical properties (such as structural, functional, and spatial information, amino acid conservation, physicochemical variation, residue mobility, and thermodynamic stability) indicates that this missense variant is not expected to disrupt COL6A2 protein function with a negative predictive value of 80%. In summary, the available evidence is currently insufficient to determine the role of this variant in disease. Therefore, it has been classified as a Variant of Uncertain Significance.

NM_001849.4(COL6A2):c.823G>A (p.Glu275Lys)

Gene: COL6A2 (collagen type VI alpha 2 chain; plus strand). Cytogenetic location: 21q22.3.
Variant type: single nucleotide variant.
Coding change: c.823G>A on transcript NM_001849.4 (MANE Select); coding-DNA position 823, G replaced by A.
Protein change: p.Glu275Lys; replaces glutamic acid 275 with lysine.
Molecular consequence: missense variant.
Genome position (GRCh38, 1-based): chr21:46,115,893, G>A. VCF-style: chr21-46115893-G-A. GRCh37 (hg19) VCF-style: chr21-47535807-G-A.
Other names: c.823G>A, p.Glu275Lys (NM_058174.3, NM_058175.3); short protein forms E275K.
Identifiers: ClinVar variation 1901919 (VCV001901919.5), dbSNP rs2123625572, ClinGen allele CA410524732.
Genomic context (GRCh38, chr21:46,115,893, plus strand): 5'-CCCTACCCTGCCTCGATGTACTCTTTTCTCTGCTTTTAGGGTGCCAAGGGCAACATGGGT[G>A]AGCCGGGAGAGCCTGGCCAGAAGGGAAGACAGGTGAGTGTCCTTGCCCCACGCCCGCCCC-3'
Protein context (NP_001840.3, residues 265-285): GQKGAKGNMG[Glu275Lys]PGEPGQKGRQ